The following is an entry in ClinVar:

NM_001267550.2(TTN):c.83405T>C (p.Ile27802Thr)

Genes: TTN (titin; minus strand), TTN-AS1 (TTN antisense RNA 1; plus strand). Cytogenetic location: 2q31.2.
Variant type: single nucleotide variant.
Coding change: c.83405T>C on transcript NM_001267550.2 (MANE Select); coding-DNA position 83405, T replaced by C.
Protein change: p.Ile27802Thr; replaces isoleucine 27802 with threonine.
Molecular consequence: missense variant.
Genome position (GRCh38, 1-based): chr2:178,562,727, A>G on the plus strand (T>C on the coding strand, the complement: TTN is on the minus strand). VCF-style: chr2-178562727-A-G. GRCh37 (hg19) VCF-style: chr2-179427454-A-G.
Other names: c.78482T>C, p.Ile26161Thr (NM_001256850.1); c.56210T>C, p.Ile18737Thr (NM_003319.4); c.75701T>C, p.Ile25234Thr (NM_133378.4); c.56585T>C, p.Ile18862Thr (NM_133432.3); c.56786T>C, p.Ile18929Thr (NM_133437.4); short protein forms I18737T, I18862T, I18929T, I25234T, I26161T, I27802T.
Identifiers: ClinVar variation 3776418 (VCV003776418.1).

ClinVar aggregate classification (germline): Uncertain significance (1 of 4 stars; one submission).

gnomAD v4.1: 3 of 1,606,518 alleles (0.00019%); highest among the groups gnomAD compares: Non-Finnish European, 0.00026%; no homozygotes.

Submission:

GeneDx
Classification: Uncertain significance. Last evaluated: 2024-10-07. Review status: criteria provided, single submitter. Criteria: GeneDx Variant Classification Process June 2021. Collection method: clinical testing. Allele origin: germline. Affected: yes.
Comment: Not observed at significant frequency in large population cohorts (gnomAD); Missense variant in a gene in which most reported pathogenic variants are truncating/loss of function; Identified de novo in a patient with congenital diaphragmatic hernia (PMID: 34547244); This variant is associated with the following publications: (PMID: 34547244)